The following is an entry in ClinVar:

NM_001330078.2(NRXN1):c.562A>G (p.Arg188Gly)

Gene: NRXN1 (neurexin 1; minus strand). Cytogenetic location: 2p16.3.
Variant type: single nucleotide variant.
Coding change: c.562A>G on transcript NM_001330078.2 (MANE Select); coding-DNA position 562, A replaced by G.
Protein change: p.Arg188Gly; replaces arginine 188 with glycine.
Molecular consequence: missense variant.
Genome position (GRCh38, 1-based): chr2:51,027,712, T>C on the plus strand (A>G on the coding strand, the complement: NRXN1 is on the minus strand). VCF-style: chr2-51027712-T-C. GRCh37 (hg19) VCF-style: chr2-51254850-T-C.
Other names: c.562A>G, p.Arg188Gly (NM_001135659.3, NM_001330077.2, NM_001330079.2 and 15 more transcripts); short protein forms R188G.
Identifiers: ClinVar variation 2016609 (VCV002016609.4), dbSNP rs2468073709, ClinGen allele CA346823753.
Genomic context (GRCh38, chr2:51,027,712, plus strand): 5'-GCTCATCGTCCAGCTTCACCTCGCCGCTGTCCACGGGCAGGACCTGCGAGGAGTTGACCC[T>C]CACGTCACGAATCCACCCCTTGAAGGGCTCCCGCTCCCTCACCGAGGCCAGGGTGAGCTT-3'
Protein context (NP_001317007.1, residues 178-198): EPFKGWIRDV[Arg188Gly]VNSSQVLPVD

ClinVar aggregate classification (germline): Uncertain significance (1 of 4 stars; one submission).

Conditions:
Pitt-Hopkins-like syndrome 2 (PTHSL2). Identifiers: Orphanet 221150, Orphanet 600663, MedGen C3280479, MONDO:0013690, OMIM 614325.

Submission:

Labcorp Genetics (formerly Invitae), Labcorp
Classification: Uncertain significance for Pitt-Hopkins-like syndrome 2. Last evaluated: 2024-05-15. Review status: criteria provided, single submitter. Criteria: Invitae Variant Classification Sherloc (09022015). Collection method: clinical testing. Allele origin: germline.
Comment: This sequence change replaces arginine, which is basic and polar, with glycine, which is neutral and non-polar, at codon 188 of the NRXN1 protein (p.Arg188Gly). This variant is not present in population databases (gnomAD no frequency). This variant has not been reported in the literature in individuals affected with NRXN1-related conditions. ClinVar contains an entry for this variant (Variation ID: 2016609). An algorithm developed to predict the effect of missense changes on protein structure and function (PolyPhen-2) suggests that this variant is likely to be tolerated. In summary, the available evidence is currently insufficient to determine the role of this variant in disease. Therefore, it has been classified as a Variant of Uncertain Significance.